The following is an entry in ClinVar:

NM_002474.3(MYH11):c.5786+6G>C

Genes: MYH11 (myosin heavy chain 11; minus strand), NDE1 (nudE neurodevelopment protein 1; plus strand). Cytogenetic location: 16p13.11.
Variant type: single nucleotide variant.
Coding change: c.5786+6G>C on transcript NM_002474.3 (MANE Select); 6 bases into the intron after coding-DNA position 5786, G replaced by C.
Molecular consequence: intron variant.
Genome position (GRCh38, 1-based): chr16:15,714,903, C>G on the plus strand (G>C on the coding strand, the complement: MYH11 is on the minus strand). VCF-style: chr16-15714903-C-G. GRCh37 (hg19) VCF-style: chr16-15808760-C-G.
Other names: c.948-9288C>G (NM_001143979.2, NM_017668.3); c.5786+6G>C (NM_022844.3); c.5807+6G>C (NM_001040114.2, NM_001040113.2).
Identifiers: ClinVar variation 918795 (VCV000918795.12), dbSNP rs766417351, ClinGen allele CA278593351.

ClinVar aggregate classification (germline): Uncertain significance. Review status: criteria provided, multiple submitters, no conflicts (2 of 4 stars). 2 submissions from 2 submitters: Uncertain significance (2). Last evaluated 2026-01-27.

Conditions:
Familial thoracic aortic aneurysm and aortic dissection (TAAD). Also called: Thoracic aortic aneurysms and dissections. Identifiers: Orphanet 91387, MedGen C4707243, MONDO:0019625.
Aortic aneurysm, familial thoracic 4 (AAT4). Also called: AORTIC ANEURYSM/AORTIC DISSECTION AND PATENT DUCTUS ARTERIOSUS. Identifiers: MedGen C1851504, MONDO:0007568, OMIM 132900.

Allele frequency attached by ClinVar (database versions not stated): TOPMed below 0.00001; gnomAD 0.00001.
gnomAD v4.1: 5 of 1,613,464 alleles (0.00031%); highest among the groups gnomAD compares: African/African-American, 0.0013%; no homozygotes.

Submissions (2):

Labcorp Genetics (formerly Invitae), Labcorp
Classification: Uncertain significance for Aortic aneurysm, familial thoracic 4. Last evaluated: 2026-01-27. Review status: criteria provided, single submitter. Criteria: Invitae Variant Classification Sherloc (09022015). Collection method: clinical testing. Allele origin: germline.
Comment: This sequence change falls in intron 41 of the MYH11 gene. It does not directly change the encoded amino acid sequence of the MYH11 protein. It affects a nucleotide within the consensus splice site. This variant is present in population databases (no rsID available, gnomAD no frequency). This variant has not been reported in the literature in individuals affected with MYH11-related conditions. ClinVar contains an entry for this variant (Variation ID: 918795). Variants that disrupt the consensus splice site are a relatively common cause of aberrant splicing (PMID: 17576681, 9536098). Algorithms developed to predict the effect of sequence changes on RNA splicing suggest that this variant is not likely to affect RNA splicing. In summary, the available evidence is currently insufficient to determine the role of this variant in disease. Therefore, it has been classified as a Variant of Uncertain Significance.

Color Diagnostics, LLC DBA Color Health
Classification: Uncertain significance for Familial thoracic aortic aneurysm and aortic dissection. Last evaluated: 2019-09-10. Review status: criteria provided, single submitter. Criteria: ACMG Guidelines, 2015. Collection method: clinical testing. Allele origin: germline.
Comment: This variant causes a C>G nucleotide substitution at the +6 position of intron 41 of the MYH11 gene. To our knowledge, functional studies have not been performed for this variant. This variant has not been reported in individuals affected with cardiovascular disorders in the literature. This variant has been identified in 1/31380 chromosomes in the general population by the Genome Aggregation Database (gnomAD). The available evidence is insufficient to determine the role of this variant in disease conclusively. Therefore, this variant is classified as a Variant of Uncertain Significance.

Literature cited by the submitters: PubMed 17576681 (cited by Labcorp Genetics (formerly Invitae), Labcorp); PubMed 9536098 (cited by Labcorp Genetics (formerly Invitae), Labcorp).